The following is an entry in ClinVar:

NM_000451.4(SHOX):c.278-3C>G

Genes: SHOX (SHOX homeobox; plus strand), LOC107652445 (meiotic recombination hotspot SHOX; plus strand). Cytogenetic location: Xp22.33.
Variant type: single nucleotide variant.
Coding change: c.278-3C>G on transcript NM_000451.4 (MANE Select); 3 bases into the intron before coding-DNA position 278, C replaced by G.
Molecular consequence: intron variant.
Genome position (GRCh38, 1-based): chrX:634,615, C>G. VCF-style: chrX-634615-C-G. GRCh37 (hg19) VCF-style: chrX-595350-C-G.
Other names: c.278-3C>G (NM_006883.2).
Identifiers: ClinVar variation 4681055 (VCV004681055.1).
Genomic context (GRCh38, chrX:634,615, plus strand): 5'-GGGTTCGCCACGTTGCGCAAAACCTCCCCGGCCTCAGCCCTGTGCCCTCCGCTCCCCACG[C>G]AGGGATTTATGAATGCAAAGAGAAGCGCGAGGACGTGAAGTCGGAGGACGAGGACGGGCA-3'

ClinVar aggregate classification (germline): Uncertain significance (1 of 4 stars; one submission).

Submission:

GeneDx
Classification: Uncertain significance. Last evaluated: 2025-07-05. Review status: criteria provided, single submitter. Criteria: GeneDx Variant Classification Process June 2021. Collection method: clinical testing. Allele origin: germline. Affected: yes.
Comment: Not observed at significant frequency in large population cohorts (gnomAD); In silico analysis supports a deleterious effect on splicing; Has not been previously published as pathogenic or benign to our knowledge